The following is an entry in ClinVar:

NM_173560.4(RFX6):c.2724A>C (p.Glu908Asp)

Gene: RFX6 (regulatory factor X6; plus strand). Cytogenetic location: 6q22.1.
Variant type: single nucleotide variant.
Coding change: c.2724A>C on transcript NM_173560.4 (MANE Select); coding-DNA position 2724, A replaced by C.
Protein change: p.Glu908Asp; replaces glutamic acid 908 with aspartic acid.
Molecular consequence: missense variant.
Genome position (GRCh38, 1-based): chr6:116,931,443, A>C. VCF-style: chr6-116931443-A-C. GRCh37 (hg19) VCF-style: chr6-117252606-A-C.
Other names: short protein forms E908D.
Identifiers: ClinVar variation 1349980 (VCV001349980.8), dbSNP rs370603449, ClinGen allele CA3973610.

ClinVar aggregate classification (germline): Uncertain significance (1 of 4 stars; one submission).

Allele frequency attached by ClinVar (database versions not stated): gnomAD exomes below 0.00001; ExAC 0.00001.
gnomAD v4.1: 8 of 1,613,504 alleles (0.0005%); highest among the groups gnomAD compares: Non-Finnish European, 0.00051%; no homozygotes.

Submission:

Labcorp Genetics (formerly Invitae), Labcorp
Classification: Uncertain significance. Last evaluated: 2021-04-02. Review status: criteria provided, single submitter. Criteria: Invitae Variant Classification Sherloc (09022015). Collection method: clinical testing. Allele origin: germline.
Comment: In summary, the available evidence is currently insufficient to determine the role of this variant in disease. Therefore, it has been classified as a Variant of Uncertain Significance. Algorithms developed to predict the effect of missense changes on protein structure and function output the following: SIFT: "Tolerated"; PolyPhen-2: "Benign"; Align-GVGD: "Class C0". The aspartic acid amino acid residue is found in multiple mammalian species, suggesting that this missense change does not adversely affect protein function. These predictions have not been confirmed by published functional studies and their clinical significance is uncertain. This variant has not been reported in the literature in individuals with RFX6-related conditions. This variant is present in population databases (rs370603449, ExAC 0.002%). This sequence change replaces glutamic acid with aspartic acid at codon 908 of the RFX6 protein (p.Glu908Asp). The glutamic acid residue is moderately conserved and there is a small physicochemical difference between glutamic acid and aspartic acid.